The following continues an entry in ClinVar:

NM_005006.7(NDUFS1):c.1371G>A (p.Ser457=)

Gene: NDUFS1. ClinVar aggregate classification (germline): Conflicting classifications of pathogenicity. Uncertain significance (1); Benign (5); Likely benign (1).

Submissions 28 to 44 of 44:

Dr. Peter K. Rogan Lab, Western University
No classification provided (evidence only). Condition: Uterine corpus endometrial carcinoma. Review status: no classification provided. Collection method: in vitro. Allele origin: not applicable. Functional consequence: skipped exon. Not counted in ClinVar's aggregate classification.

Dr. Peter K. Rogan Lab, Western University
No classification provided (evidence only). Condition: Cervical cancer. Review status: no classification provided. Collection method: in vitro. Allele origin: not applicable. Functional consequence: retained intron. Not counted in ClinVar's aggregate classification.

Dr. Peter K. Rogan Lab, Western University
No classification provided (evidence only). Condition: Cervical cancer. Review status: no classification provided. Collection method: in vitro. Allele origin: not applicable. Functional consequence: skipped exon, retained intron. Not counted in ClinVar's aggregate classification.

Dr. Peter K. Rogan Lab, Western University
No classification provided (evidence only). Condition: Cervical cancer. Review status: no classification provided. Collection method: in vitro. Allele origin: not applicable. Functional consequence: skipped exon. Not counted in ClinVar's aggregate classification.

Dr. Peter K. Rogan Lab, Western University
No classification provided (evidence only). Condition: Cervical cancer. Review status: no classification provided. Collection method: in vitro. Allele origin: not applicable. Functional consequence: retained intron. Not counted in ClinVar's aggregate classification.

Dr. Peter K. Rogan Lab, Western University
No classification provided (evidence only). Condition: Sarcoma. Review status: no classification provided. Collection method: in vitro. Allele origin: not applicable. Functional consequence: skipped exon. Not counted in ClinVar's aggregate classification.

Dr. Peter K. Rogan Lab, Western University
No classification provided (evidence only). Condition: Malignant lymphoma, large B-cell, diffuse. Review status: no classification provided. Collection method: in vitro. Allele origin: not applicable. Functional consequence: retained intron. Not counted in ClinVar's aggregate classification.

Dr. Peter K. Rogan Lab, Western University
No classification provided (evidence only). Condition: Hepatocellular carcinoma. Review status: no classification provided. Collection method: in vitro. Allele origin: not applicable. Functional consequence: retained intron. Not counted in ClinVar's aggregate classification.

Dr. Peter K. Rogan Lab, Western University
No classification provided (evidence only). Condition: Nonpapillary renal cell carcinoma. Review status: no classification provided. Collection method: in vitro. Allele origin: not applicable. Functional consequence: retained intron. Not counted in ClinVar's aggregate classification.

Dr. Peter K. Rogan Lab, Western University
No classification provided (evidence only). Condition: Nonpapillary renal cell carcinoma. Review status: no classification provided. Collection method: in vitro. Allele origin: not applicable. Functional consequence: skipped exon. Not counted in ClinVar's aggregate classification.

Dr. Peter K. Rogan Lab, Western University
No classification provided (evidence only). Condition: Thymoma. Review status: no classification provided. Collection method: in vitro. Allele origin: not applicable. Functional consequence: retained intron. Not counted in ClinVar's aggregate classification.

Dr. Peter K. Rogan Lab, Western University
No classification provided (evidence only). Condition: Thymoma. Review status: no classification provided. Collection method: in vitro. Allele origin: not applicable. Functional consequence: skipped exon, retained intron. Not counted in ClinVar's aggregate classification.

Dr. Peter K. Rogan Lab, Western University
No classification provided (evidence only). Condition: Thymoma. Review status: no classification provided. Collection method: in vitro. Allele origin: not applicable. Functional consequence: skipped exon. Not counted in ClinVar's aggregate classification.

Dr. Peter K. Rogan Lab, Western University
No classification provided (evidence only). Condition: Thymoma. Review status: no classification provided. Collection method: in vitro. Allele origin: not applicable. Functional consequence: skipped exon. Not counted in ClinVar's aggregate classification.

Dr. Peter K. Rogan Lab, Western University
No classification provided (evidence only). Condition: Ovarian serous cystadenocarcinoma. Review status: no classification provided. Collection method: in vitro. Allele origin: not applicable. Functional consequence: retained intron. Not counted in ClinVar's aggregate classification.

Dr. Peter K. Rogan Lab, Western University
No classification provided (evidence only). Condition: Gastric cancer. Review status: no classification provided. Collection method: in vitro. Allele origin: not applicable. Functional consequence: retained intron. Not counted in ClinVar's aggregate classification.

Dr. Peter K. Rogan Lab, Western University
No classification provided (evidence only). Condition: Uterine carcinosarcoma. Review status: no classification provided. Collection method: in vitro. Allele origin: not applicable. Functional consequence: retained intron. Not counted in ClinVar's aggregate classification.